The following is an entry in ClinVar:

ClinVar aggregate classification (germline): Uncertain significance. Review status: criteria provided, multiple submitters, no conflicts (2 of 4 stars). 2 submissions from 2 submitters: Uncertain significance (2). Last evaluated 2025-12-29.

Conditions:
Hereditary cancer-predisposing syndrome. Also called: Neoplastic Syndromes, Hereditary; Tumor predisposition; Hereditary Cancer Syndrome; Hereditary neoplastic syndrome. Identifiers: Orphanet 140162, MedGen C0027672, MeSH D009386, MONDO:0015356.
Oligodontia-cancer predisposition syndrome. Also called: TOOTH AGENESIS-COLORECTAL CANCER SYNDROME. Identifiers: Orphanet 300576, MedGen C1837750, MONDO:0012075, OMIM 608615. Disease mechanism: loss of function.

Submissions (2):

Labcorp Genetics (formerly Invitae), Labcorp
Classification: Uncertain significance for Oligodontia-cancer predisposition syndrome. Last evaluated: 2025-12-29. Review status: criteria provided, single submitter. Criteria: Invitae Variant Classification Sherloc (09022015). Collection method: clinical testing. Allele origin: germline.
Comment: This sequence change replaces serine, which is neutral and polar, with asparagine, which is neutral and polar, at codon 626 of the AXIN2 protein (p.Ser626Asn). This variant is not present in population databases (gnomAD no frequency). This variant has not been reported in the literature in individuals affected with AXIN2-related conditions. ClinVar contains an entry for this variant (Variation ID: 1781801). Invitae Evidence Modeling of protein sequence and biophysical properties (such as structural, functional, and spatial information, amino acid conservation, physicochemical variation, residue mobility, and thermodynamic stability) indicates that this missense variant is not expected to disrupt AXIN2 protein function with a negative predictive value of 80%. In summary, the available evidence is currently insufficient to determine the role of this variant in disease. Therefore, it has been classified as a Variant of Uncertain Significance.

Ambry Genetics
Classification: Uncertain significance for Hereditary cancer-predisposing syndrome. Last evaluated: 2021-06-15. Review status: criteria provided, single submitter. Criteria: Ambry Variant Classification Scheme 2023. Collection method: clinical testing. Allele origin: germline.
Comment: The p.S626N variant (also known as c.1877G>A), located in coding exon 6 of the AXIN2 gene, results from a G to A substitution at nucleotide position 1877. The serine at codon 626 is replaced by asparagine, an amino acid with highly similar properties. This amino acid position is conserved. In addition, this alteration is predicted to be tolerated by in silico analysis. Since supporting evidence is limited at this time, the clinical significance of this alteration remains unclear.

NM_004655.4(AXIN2):c.1877G>A (p.Ser626Asn)

Gene: AXIN2 (axin 2; minus strand). Cytogenetic location: 17q24.1.
Variant type: single nucleotide variant.
Coding change: c.1877G>A on transcript NM_004655.4 (MANE Select); coding-DNA position 1877, G replaced by A.
Protein change: p.Ser626Asn; replaces serine 626 with asparagine.
Molecular consequence: missense variant. On other transcripts: intron variant (1).
Genome position (GRCh38, 1-based): chr17:65,536,899, C>T on the plus strand (G>A on the coding strand, the complement: AXIN2 is on the minus strand). VCF-style: chr17-65536899-C-T. GRCh37 (hg19) VCF-style: chr17-63533017-C-T.
Other names: c.1713-346G>A (NM_001363813.1); short protein forms S626N.
Identifiers: ClinVar variation 1781801 (VCV001781801.7), dbSNP rs2509406911, ClinGen allele CA400676432.